The following is an entry in ClinVar:

ClinVar aggregate classification (germline): Uncertain significance (1 of 4 stars; one submission).

Submission:

GeneDx
Classification: Uncertain significance. Last evaluated: 2024-02-09. Review status: criteria provided, single submitter. Criteria: GeneDx Variant Classification Process June 2021. Collection method: clinical testing. Allele origin: germline. Affected: yes.
Comment: Not observed at significant frequency in large population cohorts (gnomAD); In silico analysis supports that this missense variant does not alter protein structure/function; Has not been previously published as pathogenic or benign to our knowledge

NM_006514.4(SCN10A):c.4507G>A (p.Glu1503Lys)

Gene: SCN10A (sodium voltage-gated channel alpha subunit 10; minus strand). Cytogenetic location: 3p22.2.
Variant type: single nucleotide variant.
Coding change: c.4507G>A on transcript NM_006514.4 (MANE Select); coding-DNA position 4507, G replaced by A.
Protein change: p.Glu1503Lys; replaces glutamic acid 1503 with lysine.
Molecular consequence: missense variant.
Genome position (GRCh38, 1-based): chr3:38,701,989, C>T on the plus strand (G>A on the coding strand, the complement: SCN10A is on the minus strand). VCF-style: chr3-38701989-C-T. GRCh37 (hg19) VCF-style: chr3-38743480-C-T.
Other names: c.4504G>A, p.Glu1502Lys (NM_001293306.2); c.4213G>A, p.Glu1405Lys (NM_001293307.2); short protein forms E1405K, E1502K, E1503K.
Identifiers: ClinVar variation 3368872 (VCV003368872.1).